The following is an entry in ClinVar:

ClinVar aggregate classification (germline): Conflicting classifications of pathogenicity. Review status: criteria provided, conflicting classifications (1 of 4 stars). 3 submissions from 3 submitters: Uncertain significance (2); Likely benign (1). Last evaluated 2025-10-21.

Conditions:
Autosomal dominant familial hematuria-retinal arteriolar tortuosity-contractures syndrome. Also called: Hereditary Angiopathy with Nephropathy, Aneurysms, and Muscle Cramps (HANAC) Syndrome; Angiopathy, hereditary, with nephropathy, aneurysms, and muscle cramps. Identifiers: Orphanet 73229, MedGen C2673195, MONDO:0012726, OMIM 611773.
Retinal arterial tortuosity. Also called: Retinal arteries, tortuosity of; RETINAL HEMORRHAGE WITH VASCULAR TORTUOSITY. Identifiers: Orphanet 75326, MedGen C0423401, MONDO:0008373, OMIM 180000, HP:0000631.
Microangiopathy and leukoencephalopathy, pontine, autosomal dominant. Also called: Pontine autosomal dominant microangiopathy with leukoencephalopathy; DEMENTIA, HEREDITARY MULTI-INFARCT, SWEDISH TYPE. Identifiers: Orphanet 477749, MedGen C5231411, MONDO:0032814, OMIM 618564.
Brain small vessel disease 1 with or without ocular anomalies (BSVD1). Also called: PORENCEPHALY, TYPE 1, AUTOSOMAL DOMINANT; BRAIN SMALL VESSEL DISEASE WITH HEMORRHAGE; GOULD SYNDROME 1; Brain small vessel disease with or without ocular anomalies. Identifiers: Orphanet 2940, Orphanet 36383, Orphanet 99810, MedGen C4755307, MONDO:0008289, OMIM 175780.
Hemorrhage, intracerebral, susceptibility to (ICH). Also called: Stroke, hemorrhagic, susceptibility to. Identifiers: MedGen C3281105, MONDO:0100533, OMIM 614519.

Allele frequency attached by ClinVar (database versions not stated): gnomAD 0.00001 and 0.00003; TOPMed 0.00001; ExAC 0.00007; gnomAD exomes 0.00008.
gnomAD v4.1: 111 of 1,614,078 alleles (0.0069%); highest among the groups gnomAD compares: South Asian, 0.044%; 2 homozygotes.

Submissions (3):

Labcorp Genetics (formerly Invitae), Labcorp
Classification: Likely benign. Last evaluated: 2025-10-21. Review status: criteria provided, single submitter. Criteria: Invitae Variant Classification Sherloc (09022015). Collection method: clinical testing. Allele origin: germline.

GeneDx
Classification: Uncertain significance. Last evaluated: 2023-01-30. Review status: criteria provided, single submitter. Criteria: GeneDx Variant Classification Process June 2021. Collection method: clinical testing. Allele origin: germline. Affected: yes.
Comment: In silico analysis supports that this missense variant has a deleterious effect on protein structure/function; Has not been previously published as pathogenic or benign to our knowledge

Fulgent Genetics
Classification: Uncertain significance for Brain small vessel disease 1 with or without ocular anomalies; Retinal arterial tortuosity; Autosomal dominant familial hematuria-retinal arteriolar tortuosity-contractures syndrome; Hemorrhage, intracerebral, susceptibility to; Microangiopathy and leukoencephalopathy, pontine, autosomal dominant. Last evaluated: 2022-03-22. Review status: criteria provided, single submitter. Criteria: ACMG Guidelines, 2015. Collection method: clinical testing. Allele origin: unknown.

NM_001845.6(COL4A1):c.4856G>A (p.Arg1619His)

Gene: COL4A1 (collagen type IV alpha 1 chain; minus strand). Cytogenetic location: 13q34.
Variant type: single nucleotide variant.
Coding change: c.4856G>A on transcript NM_001845.6 (MANE Select); coding-DNA position 4856, G replaced by A.
Protein change: p.Arg1619His; replaces arginine 1619 with histidine.
Molecular consequence: missense variant.
Genome position (GRCh38, 1-based): chr13:110,152,406, C>T on the plus strand (G>A on the coding strand, the complement: COL4A1 is on the minus strand). VCF-style: chr13-110152406-C-T. GRCh37 (hg19) VCF-style: chr13-110804753-C-T.
Other names: c.4856G>A (NM_001845.4); short protein forms R1619H.
Identifiers: ClinVar variation 1495572 (VCV001495572.8), dbSNP rs747250117, ClinGen allele CA7046783.